The following is an entry in ClinVar:

ClinVar aggregate classification (germline): Pathogenic (1 of 4 stars; one submission).

Conditions:
Familial dysautonomia. Also called: HSAN III; FD. Identifiers: Orphanet 1764, MedGen C0013364, MONDO:0009131, OMIM 223900. Disease mechanism: loss of function.

Submission:

Myriad Genetics, Inc.
Classification: Pathogenic for Familial dysautonomia. Last evaluated: 2023-09-05. Review status: criteria provided, single submitter. Criteria: Myriad Autosomal Dominant, Autosomal Recessive and X-Linked Classification Criteria (2023). Collection method: clinical testing. Allele origin: unknown.
Comment: NM_003640.3(ELP1):c.957T>A(C319*) is expected to be pathogenic in the context of familial dysautonomia. This variant is predicted to lead to an abnormal or absent protein product due to the creation of a premature termination codon in ELP1, a gene where loss-of-function variants are known to be pathogenic. Please note: this variant was assessed in the context of healthy population screening.

NM_003640.5(ELP1):c.957T>A (p.Cys319Ter)

Gene: ELP1 (elongator acetyltransferase complex subunit 1; minus strand). Cytogenetic location: 9q31.3.
Variant type: single nucleotide variant.
Coding change: c.957T>A on transcript NM_003640.5 (MANE Select); coding-DNA position 957, T replaced by A.
Protein change: p.Cys319Ter; replaces cysteine 319 with a stop codon.
Molecular consequence: nonsense. On other transcripts: 5 prime UTR variant (1).
Genome position (GRCh38, 1-based): chr9:108,916,205, A>T on the plus strand (T>A on the coding strand, the complement: ELP1 is on the minus strand). VCF-style: chr9-108916205-A-T. GRCh37 (hg19) VCF-style: chr9-111678485-A-T.
Other names: c.615T>A, p.Cys205Ter (NM_001318360.2); c.-91T>A (NM_001330749.2); short protein forms C205*, C319*.
Identifiers: ClinVar variation 5011568 (VCV005011568.1).